The following is an entry in ClinVar:

ClinVar aggregate classification (germline): Uncertain significance. Review status: criteria provided, multiple submitters, no conflicts (2 of 4 stars). 3 submissions from 3 submitters: Uncertain significance (3). Last evaluated 2025-12-01.

Conditions:
POLD1-related polyposis and colorectal cancer syndrome (CRCS10). Also called: Colorectal cancer 10; COLORECTAL CANCER, SUSCEPTIBILITY TO, ON CHROMOSOME 19q; Colorectal cancer, susceptibility to, 10. Identifiers: Orphanet 220460, MedGen C2675481, MONDO:0012953, OMIM 612591.
Hereditary cancer-predisposing syndrome. Also called: Tumor predisposition; Neoplastic Syndromes, Hereditary; Hereditary Cancer Syndrome; Hereditary neoplastic syndrome. Identifiers: Orphanet 140162, MedGen C0027672, MeSH D009386, MONDO:0015356.

Allele frequency attached by ClinVar (database versions not stated): gnomAD exomes below 0.00001; TOPMed below 0.00001; gnomAD 0.00001; ExAC 0.00005.
gnomAD v4.1: 4 of 1,550,128 alleles (0.00026%); highest among the groups gnomAD compares: Admixed American, 0.0037%; no homozygotes.

Submissions (3):

Labcorp Genetics (formerly Invitae), Labcorp
Classification: Uncertain significance for POLD1-related polyposis and colorectal cancer syndrome. Last evaluated: 2025-12-01. Review status: criteria provided, single submitter. Criteria: Invitae Variant Classification Sherloc (09022015). Collection method: clinical testing. Allele origin: germline.
Comment: This sequence change replaces aspartic acid, which is acidic and polar, with glycine, which is neutral and non-polar, at codon 920 of the POLD1 protein (p.Asp920Gly). The frequency data for this variant in the population databases is considered unreliable, as metrics indicate poor data quality at this position in the gnomAD database. This variant has not been reported in the literature in individuals affected with POLD1-related conditions. ClinVar contains an entry for this variant (Variation ID: 537124). Invitae Evidence Modeling of protein sequence and biophysical properties (such as structural, functional, and spatial information, amino acid conservation, physicochemical variation, residue mobility, and thermodynamic stability) indicates that this missense variant is expected to disrupt POLD1 protein function with a positive predictive value of 80%. In summary, the available evidence is currently insufficient to determine the role of this variant in disease. Therefore, it has been classified as a Variant of Uncertain Significance.

Ambry Genetics
Classification: Uncertain significance for Hereditary cancer-predisposing syndrome. Last evaluated: 2025-05-17. Review status: criteria provided, single submitter. Criteria: Ambry Variant Classification Scheme 2023. Collection method: clinical testing. Allele origin: germline.
Comment: The p.D920G variant (also known as c.2759A>G), located in coding exon 21 of the POLD1 gene, results from an A to G substitution at nucleotide position 2759. The aspartic acid at codon 920 is replaced by glycine, an amino acid with similar properties. This amino acid position is conserved. In addition, the in silico prediction for this alteration is inconclusive. Since supporting evidence is limited at this time, the clinical significance of this alteration remains unclear.

GeneDx
Classification: Uncertain significance. Last evaluated: 2024-12-31. Review status: criteria provided, single submitter. Criteria: GeneDx Variant Classification Process June 2021. Collection method: clinical testing. Allele origin: germline. Affected: yes.
Comment: Not observed at significant frequency in large population cohorts (gnomAD); In silico analysis supports that this missense variant has a deleterious effect on protein structure/function; Has not been previously published as pathogenic or benign to our knowledge

NM_002691.4(POLD1):c.2759A>G (p.Asp920Gly)

Gene: POLD1 (DNA polymerase delta 1, catalytic subunit; plus strand). Cytogenetic location: 19q13.33.
Variant type: single nucleotide variant.
Coding change: c.2759A>G on transcript NM_002691.4 (MANE Select); coding-DNA position 2759, A replaced by G.
Protein change: p.Asp920Gly; replaces aspartic acid 920 with glycine.
Molecular consequence: missense variant.
Genome position (GRCh38, 1-based): chr19:50,415,765, A>G. VCF-style: chr19-50415765-A-G. GRCh37 (hg19) VCF-style: chr19-50919022-A-G.
Other names: c.2759A>G, p.Asp920Gly (NM_001256849.1, LRG_785t1); c.2837A>G, p.Asp946Gly (NM_001308632.1, LRG_785t2); short protein forms D920G, D946G.
Identifiers: ClinVar variation 537124 (VCV000537124.15), dbSNP rs779041717, ClinGen allele CA9596651.